The following is an entry in ClinVar:

NM_170707.4(LMNA):c.1609-19G>A

Gene: LMNA (lamin A/C; plus strand). Cytogenetic location: 1q22.
Variant type: single nucleotide variant.
Coding change: c.1609-19G>A on transcript NM_170707.4 (MANE Select); 19 bases into the intron before coding-DNA position 1609, G replaced by A.
Molecular consequence: intron variant.
Genome position (GRCh38, 1-based): chr1:156,137,635, G>A. VCF-style: chr1-156137635-G-A. GRCh37 (hg19) VCF-style: chr1-156107426-G-A.
Other names: c.1609-19G>A (NM_001282625.2, NM_001282626.2, NM_005572.4); c.1608+403G>A (NM_170708.4); c.1273-19G>A (NM_001257374.3); c.1366-19G>A (NM_001282624.2).
Identifiers: ClinVar variation 2014041 (VCV002014041.4), dbSNP rs2528017936, ClinGen allele CA2580061225.

ClinVar aggregate classification (germline): Uncertain significance (1 of 4 stars; one submission).

Conditions:
Charcot-Marie-Tooth disease type 2. Also called: Charcot-Marie-Tooth type 2. Identifiers: Orphanet 64746, MedGen C0270914, MONDO:0018993.

Submission:

Labcorp Genetics (formerly Invitae), Labcorp
Classification: Uncertain significance for Charcot-Marie-Tooth disease type 2. Last evaluated: 2022-07-04. Review status: criteria provided, single submitter. Criteria: Invitae Variant Classification Sherloc (09022015). Collection method: clinical testing. Allele origin: germline.
Comment: Algorithms developed to predict the effect of sequence changes on RNA splicing suggest that this variant may create or strengthen a splice site. In summary, the available evidence is currently insufficient to determine the role of this variant in disease. Therefore, it has been classified as a Variant of Uncertain Significance. This variant has not been reported in the literature in individuals affected with LMNA-related conditions. This variant is not present in population databases (gnomAD no frequency). This sequence change falls in intron 9 of the LMNA gene. It does not directly change the encoded amino acid sequence of the LMNA protein.